The following is an entry in ClinVar:

NM_201596.3(CACNB2):c.426C>T (p.Phe142=)

Gene: CACNB2 (calcium voltage-gated channel auxiliary subunit beta 2; plus strand). Cytogenetic location: 10p12.31.
Variant type: single nucleotide variant.
Coding change: c.426C>T on transcript NM_201596.3 (MANE Select); coding-DNA position 426, C replaced by T.
Protein change: p.Phe142=; no amino-acid change (phenylalanine 142 retained).
Molecular consequence: synonymous variant.
Genome position (GRCh38, 1-based): chr10:18,498,447, C>T. VCF-style: chr10-18498447-C-T. GRCh37 (hg19) VCF-style: chr10-18787376-C-T.
Other names: c.261C>T, p.Phe87= (NM_000724.4, NM_001330060.2); c.342C>T, p.Phe114= (NM_001167945.2, NM_201571.4, NM_201572.4); c.282C>T, p.Phe94= (NM_201570.3); c.264C>T, p.Phe88= (NM_201590.3); c.426C>T, p.Phe142= (NM_201593.3, NM_201597.3).
Identifiers: ClinVar variation 299555 (VCV000299555.27), dbSNP rs564275776, ClinGen allele CA5429613.
Genomic context (GRCh38, chr10:18,498,447, plus strand): 5'-TGTCAGCTACAGTGCGGCCCATGAAGATGATGTTCCAGTGCCTGGCATGGCCATCTCATT[C>T]GAAGCAAAAGATTTTCTGCATGTTAAGGAAGTAAGGAGAATAATTTCATTTTCTAACAGC-3'
Protein context (NP_963890.2, residues 132-152): DVPVPGMAIS[Phe142=]EAKDFLHVKE

ClinVar aggregate classification (germline): Benign/Likely benign. Review status: criteria provided, multiple submitters, no conflicts (2 of 4 stars). 6 submissions from 6 submitters: Benign (2); Likely benign (4). Last evaluated 2025-12-19.

Conditions:
CACNB2-related disorder. Also called: CACNB2-related condition.
Cardiovascular phenotype. Identifiers: MedGen CN230736.
Brugada syndrome 4 (BRGDA4). Identifiers: Orphanet 130, MedGen C2678477, MONDO:0012743, OMIM 611876.

Allele frequency attached by ClinVar (database versions not stated): TOPMed 0.00001; gnomAD 0.00002 and 0.00006; 1000 Genomes Project 30x 0.00016; 1000 Genomes Project 0.00020.
gnomAD v4.1: 171 of 1,613,950 alleles (0.011%); highest among the groups gnomAD compares: South Asian, 0.13%; 2 homozygotes.

Submissions (6):

Labcorp Genetics (formerly Invitae), Labcorp
Classification: Benign for Brugada syndrome 4. Last evaluated: 2025-12-19. Review status: criteria provided, single submitter. Criteria: Invitae Variant Classification Sherloc (09022015). Collection method: clinical testing. Allele origin: germline.

PreventionGenetics, part of Exact Sciences
Classification: Likely benign for CACNB2-related condition. Last evaluated: 2025-10-01. Review status: criteria provided, single submitter. Criteria: ACMG Guidelines, 2015. Collection method: clinical testing. Allele origin: germline.
Comment: This variant is classified as likely benign based on ACMG/AMP sequence variant interpretation guidelines (Richards et al. 2015 PMID: 25741868, with internal and published modifications).

CeGaT Center for Human Genetics Tuebingen
Classification: Likely benign. Last evaluated: 2025-08-01. Review status: criteria provided, single submitter. Criteria: CeGaT Center For Human Genetics Tuebingen Variant Classification Criteria Version 2. Collection method: clinical testing. Allele origin: germline. Affected: yes. Observed: 1 variant allele.
Comment: CACNB2: BP4, BP7

Blueprint Genetics
Classification: Likely benign. Last evaluated: 2024-10-23. Review status: criteria provided, single submitter. Criteria: ACMG Guidelines, 2015. Collection method: clinical testing. Allele origin: germline.

Ambry Genetics
Classification: Likely benign for Cardiovascular phenotype. Last evaluated: 2020-08-05. Review status: criteria provided, single submitter. Criteria: Ambry Variant Classification Scheme 2023. Collection method: clinical testing. Allele origin: germline.

GeneDx
Classification: Benign. Last evaluated: 2015-03-03. Review status: criteria provided, single submitter. Criteria: GeneDx Variant Classification Process June 2021. Collection method: clinical testing. Allele origin: germline. Affected: yes.